The following is an entry in ClinVar:

NM_004393.6(DAG1):c.891G>A (p.Trp297Ter)

Gene: DAG1 (dystroglycan 1; plus strand). Cytogenetic location: 3p21.31.
Variant type: single nucleotide variant.
Coding change: c.891G>A on transcript NM_004393.6 (MANE Select); coding-DNA position 891, G replaced by A.
Protein change: p.Trp297Ter; replaces tryptophan 297 with a stop codon.
Molecular consequence: nonsense.
Genome position (GRCh38, 1-based): chr3:49,531,402, G>A. VCF-style: chr3-49531402-G-A. GRCh37 (hg19) VCF-style: chr3-49568835-G-A.
Other names: c.891G>A, p.Trp297Ter (NM_001165928.4, NM_001177634.3, NM_001177635.3 and 9 more transcripts); short protein forms W297*.
Identifiers: ClinVar variation 432120 (VCV000432120.4), dbSNP rs1553652751, ClinGen allele CA352794308.

ClinVar aggregate classification (germline): Likely pathogenic (1 of 4 stars; one submission).

Submission:

GeneDx
Classification: Likely pathogenic. Last evaluated: 2019-03-27. Review status: criteria provided, single submitter. Criteria: GeneDx Variant Classification Process June 2021. Collection method: clinical testing. Allele origin: germline. Affected: yes.
Comment: Nonsense variant in the C-terminus predicted to result in protein truncation, as the last 599 amino acids are lost, and other loss-of-function variants have been reported downstream in the Human Gene Mutation Database (Stenson et al., 2014); Loss of coding exons in this gene are frequently reported as pathogenic (Stenson et al., 2014); Not observed in large population cohorts (Lek et al., 2016); Has not been previously published as pathogenic or benign to our knowledge